The following is an entry in ClinVar:

ClinVar aggregate classification (germline): Uncertain significance. Review status: criteria provided, multiple submitters, no conflicts (2 of 4 stars). 3 submissions from 3 submitters: Uncertain significance (3). Last evaluated 2025-12-03.

Conditions:
Cardiovascular phenotype. Identifiers: MedGen CN230736.
Hereditary cancer-predisposing syndrome. Also called: Tumor predisposition; Neoplastic Syndromes, Hereditary; Hereditary neoplastic syndrome; Hereditary Cancer Syndrome. Identifiers: Orphanet 140162, MedGen C0027672, MeSH D009386, MONDO:0015356.
LZTR1-related disorder. Also called: LZTR1-related disorders; LZTR1-related condition.

Submissions (3):

Labcorp Genetics (formerly Invitae), Labcorp
Classification: Uncertain significance. Last evaluated: 2025-12-03. Review status: criteria provided, single submitter. Criteria: Invitae Variant Classification Sherloc (09022015). Collection method: clinical testing. Allele origin: germline.
Comment: This sequence change replaces glutamine, which is neutral and polar, with arginine, which is basic and polar, at codon 832 of the LZTR1 protein (p.Gln832Arg). This variant is not present in population databases (gnomAD no frequency). This variant has not been reported in the literature in individuals affected with LZTR1-related conditions. ClinVar contains an entry for this variant (Variation ID: 2636489). Invitae Evidence Modeling of protein sequence and biophysical properties (such as structural, functional, and spatial information, amino acid conservation, physicochemical variation, residue mobility, and thermodynamic stability) indicates that this missense variant is not expected to disrupt LZTR1 protein function with a negative predictive value of 80%. In summary, the available evidence is currently insufficient to determine the role of this variant in disease. Therefore, it has been classified as a Variant of Uncertain Significance.

Ambry Genetics
Classification: Uncertain significance for Cardiovascular phenotype; Hereditary cancer-predisposing syndrome. Last evaluated: 2025-11-13. Review status: criteria provided, single submitter. Criteria: Ambry Variant Classification Scheme 2023. Collection method: clinical testing. Allele origin: germline.
Comment: The p.Q832R variant (also known as c.2495A>G), located in coding exon 21 of the LZTR1 gene, results from an A to G substitution at nucleotide position 2495. The glutamine at codon 832 is replaced by arginine, an amino acid with highly similar properties. This amino acid position is conserved. In addition, the in silico prediction for this alteration is inconclusive. Based on the available evidence, the clinical significance of this variant remains unclear.

PreventionGenetics, part of Exact Sciences
Classification: Uncertain significance for LZTR1-related condition. Last evaluated: 2022-09-08. Review status: criteria provided, single submitter. Criteria: ACMG Guidelines, 2015. Collection method: clinical testing. Allele origin: germline.
Comment: The LZTR1 c.2495A>G variant is predicted to result in the amino acid substitution p.Gln832Arg. To our knowledge, this variant has not been reported in the literature or in a large population database, indicating this variant is rare. At this time, the clinical significance of this variant is uncertain due to the absence of conclusive functional and genetic evidence.

NM_006767.4(LZTR1):c.2495A>G (p.Gln832Arg)

Gene: LZTR1 (leucine zipper like post translational regulator 1; plus strand). Cytogenetic location: 22q11.21.
Variant type: single nucleotide variant.
Coding change: c.2495A>G on transcript NM_006767.4 (MANE Select); coding-DNA position 2495, A replaced by G.
Protein change: p.Gln832Arg; replaces glutamine 832 with arginine.
Molecular consequence: missense variant.
Genome position (GRCh38, 1-based): chr22:20,997,320, A>G. VCF-style: chr22-20997320-A-G. GRCh37 (hg19) VCF-style: chr22-21351609-A-G.
Other names: short protein forms Q832R.
Identifiers: ClinVar variation 2636489 (VCV002636489.4), dbSNP rs2518626865, ClinGen allele CA410781901.
Genomic context (GRCh38, chr22:20,997,320, plus strand): 5'-TGAGCCAGCAGCTGCTGCTGGACATCATAGACTCCCTGGCCTCCCACATCTCAGACAAGC[A>G]GTGCGCAGAGCTGGGCGCCGACATCTGAGGCCCTGTGGCGCCTGCCCATTGTGAAGAATC-3'
Protein context (NP_006758.2, residues 822-840): DSLASHISDK[Gln832Arg]CAELGADI